The following is an entry in ClinVar:

NM_000143.4(FH):c.1359A>G (p.Leu453=)

Gene: FH (fumarate hydratase; minus strand). Cytogenetic location: 1q43.
Variant type: single nucleotide variant.
Coding change: c.1359A>G on transcript NM_000143.4 (MANE Select); coding-DNA position 1359, A replaced by G.
Protein change: p.Leu453=; no amino-acid change (leucine 453 retained).
Molecular consequence: synonymous variant.
Genome position (GRCh38, 1-based): chr1:241,500,468, T>C on the plus strand (A>G on the coding strand, the complement: FH is on the minus strand). VCF-style: chr1-241500468-T-C. GRCh37 (hg19) VCF-style: chr1-241663768-T-C.
Other names: c.1359A>G (NM_000143.3).
Identifiers: ClinVar variation 1580236 (VCV001580236.10), dbSNP rs2147913040, ClinGen allele CA424075472.

ClinVar aggregate classification (germline): Benign/Likely benign. Review status: criteria provided, multiple submitters, no conflicts (2 of 4 stars). 3 submissions from 3 submitters: Benign (1); Likely benign (2). Last evaluated 2025-12-01.

Conditions:
Hereditary cancer-predisposing syndrome. Also called: Neoplastic Syndromes, Hereditary; Tumor predisposition; Hereditary Cancer Syndrome; Hereditary neoplastic syndrome. Identifiers: Orphanet 140162, MedGen C0027672, MeSH D009386, MONDO:0015356.
Hereditary leiomyomatosis and renal cell cancer. Also called: MULTIPLE CUTANEOUS AND UTERINE LEIOMYOMATA 1, WITH OR WITHOUT RENAL CELL CARCINOMA; LEIOMYOMA, MULTIPLE CUTANEOUS; Reed syndrome; Multiple cutaneous and uterine leiomyomatosis; Cutaneous leiomyomata with uterine leiomyomata; Leiomyoma, hereditary multiple, of skin. Identifiers: Orphanet 523, MedGen C1708350, MONDO:0007888, OMIM 150800, HP:0007437. Disease mechanism: loss of function.

Submissions (3):

Labcorp Genetics (formerly Invitae), Labcorp
Classification: Likely benign. Last evaluated: 2025-12-01. Review status: criteria provided, single submitter. Criteria: Invitae Variant Classification Sherloc (09022015). Collection method: clinical testing. Allele origin: germline.

Myriad Genetics, Inc.
Classification: Benign for Hereditary leiomyomatosis and renal cell cancer. Last evaluated: 2024-10-21. Review status: criteria provided, single submitter. Criteria: Myriad Autosomal Dominant, Autosomal Recessive and X-Linked Classification Criteria (2023). Collection method: clinical testing. Allele origin: unknown.
Comment: This variant is considered benign. This variant is a silent/synonymous amino acid change and it is not expected to impact splicing.

Ambry Genetics
Classification: Likely benign for Hereditary cancer-predisposing syndrome. Last evaluated: 2023-11-19. Review status: criteria provided, single submitter. Criteria: Ambry Variant Classification Scheme 2023. Collection method: clinical testing. Allele origin: germline.